The following is an entry in ClinVar:

NM_014905.5(GLS):c.-212GCA[6]

Genes: GLS (glutaminase; plus strand), LOC129935268 (ATAC-STARR-seq lymphoblastoid silent region 12186; plus strand). Cytogenetic location: 2q32.2.
Variant type: Microsatellite.
Coding change: c.-212GCA[6] on transcript NM_014905.5 (MANE Select); six copies in a row of the 3-base unit GCA starting at c.-212; the reference has 16 copies in a row; ten copies, 30 bases deleted.
Molecular consequence: 5 prime UTR variant.
Genome position (GRCh38, 1-based): chr2:190,880,891-190,880,920, GCAGCAGCAGCAGCAGCAGCAGCAGCAGCA deleted; deleting any 30 consecutive bases within chr2:190,880,873-190,880,920 gives the same sequence; the position shown is the placement nearest the transcript's 3' end. VCF-style (leftmost placement, unchanged base first): chr2-190880872-CGCAGCAGCAGCAGCAGCAGCAGCAGCAGCA-C. GRCh37 (hg19) VCF-style: chr2-191745598-CGCAGCAGCAGCAGCAGCAGCAGCAGCAGCA-C.
Other names: c.-212GCA[6] (NM_001256310.2).
Identifiers: ClinVar variation 3031213 (VCV003031213.2), dbSNP rs57674096, ClinGen allele CA762383372.
Genomic context (GRCh38, chr2:190,880,872, plus strand): 5'-TTTAGCCTCAGTGCGGAGCCTTAGGCGGAGCGAAGAGAACCGGTCGCGGCAATCCTAGCG[CGCAGCAGCAGCAGCAGCAGCAGCAGCAGCA>C]GCAGCAGCAGCAGCAGCACCCGCATCCGCTGCGGGAGTCCGAGCCGGAACCACACCCAAG-3'

ClinVar aggregate classification (germline): Likely benign (0 of 4 stars; one submission).

Conditions:
GLS-related disorder. Also called: GLS-related condition.

Submission:

PreventionGenetics, part of Exact Sciences
Classification: Likely benign for GLS-related condition. Last evaluated: 2024-02-14. Review status: no assertion criteria provided. Collection method: clinical testing. Allele origin: germline.
Comment: This variant is classified as likely benign based on ACMG/AMP sequence variant interpretation guidelines (Richards et al. 2015 PMID: 25741868, with internal and published modifications).